The following is an entry in ClinVar:

ClinVar aggregate classification (germline): Likely benign (1 of 4 stars; one submission).

gnomAD v4.1: 37 of 1,600,580 alleles (0.0023%); highest among the groups gnomAD compares: East Asian, 0.0045%; no homozygotes.

Submission:

CeGaT Center for Human Genetics Tuebingen
Classification: Likely benign. Last evaluated: 2025-06-01. Review status: criteria provided, single submitter. Criteria: CeGaT Center For Human Genetics Tuebingen Variant Classification Criteria Version 2. Collection method: clinical testing. Allele origin: germline. Affected: yes. Observed: 1 variant allele.
Comment: HERC2: BP4, BP7

NM_004667.6(HERC2):c.2631C>T (p.Gly877=)

Gene: HERC2 (HECT and RLD domain containing E3 ubiquitin protein ligase 2; minus strand). Cytogenetic location: 15q13.1.
Variant type: single nucleotide variant.
Coding change: c.2631C>T on transcript NM_004667.6 (MANE Select); coding-DNA position 2631, C replaced by T.
Protein change: p.Gly877=; no amino-acid change (glycine 877 retained).
Molecular consequence: synonymous variant.
Genome position (GRCh38, 1-based): chr15:28,256,204, G>A on the plus strand (C>T on the coding strand, the complement: HERC2 is on the minus strand). VCF-style: chr15-28256204-G-A. GRCh37 (hg19) VCF-style: chr15-28501350-G-A.
Identifiers: ClinVar variation 4084158 (VCV004084158.8).